The following is an entry in ClinVar:

ClinVar aggregate classification (germline): Uncertain significance (1 of 4 stars; one submission).

Submission:

CeGaT Center for Human Genetics Tuebingen
Classification: Uncertain significance. Last evaluated: 2022-09-01. Review status: criteria provided, single submitter. Criteria: CeGaT Center For Human Genetics Tuebingen Variant Classification Criteria Version 2. Collection method: clinical testing. Allele origin: germline. Affected: yes. Observed: 1 variant allele.
Comment: SEC24B: PM2

NM_006323.5(SEC24B):c.1975A>C (p.Asn659His)

Gene: SEC24B (SEC24 homolog B, COPII component; plus strand). Cytogenetic location: 4q25.
Variant type: single nucleotide variant.
Coding change: c.1975A>C on transcript NM_006323.5 (MANE Select); coding-DNA position 1975, A replaced by C.
Protein change: p.Asn659His; replaces asparagine 659 with histidine.
Molecular consequence: missense variant.
Genome position (GRCh38, 1-based): chr4:109,513,818, A>C. VCF-style: chr4-109513818-A-C. GRCh37 (hg19) VCF-style: chr4-110434974-A-C.
Other names: c.1870A>C, p.Asn624His (NM_001042734.4); c.2065A>C, p.Asn689His (NM_001300813.3); c.1972A>C, p.Asn658His (NM_001318085.2); c.1867A>C, p.Asn623His (NM_001318086.2); short protein forms N623H, N624H, N658H, N659H, N689H.
Identifiers: ClinVar variation 2655023 (VCV002655023.24), dbSNP rs2530065992, ClinGen allele CA357855795.